The following is an entry in ClinVar:

NM_024642.5(GALNT12):c.999A>C (p.Glu333Asp)

Gene: GALNT12 (polypeptide N-acetylgalactosaminyltransferase 12; plus strand). Cytogenetic location: 9q22.33.
Variant type: single nucleotide variant.
Coding change: c.999A>C on transcript NM_024642.5 (MANE Select); coding-DNA position 999, A replaced by C.
Protein change: p.Glu333Asp; replaces glutamic acid 333 with aspartic acid.
Molecular consequence: missense variant.
Genome position (GRCh38, 1-based): chr9:98,835,330, A>C. VCF-style: chr9-98835330-A-C. GRCh37 (hg19) VCF-style: chr9-101597612-A-C.
Other names: short protein forms E333D.
Identifiers: ClinVar variation 3227975 (VCV003227975.1), dbSNP rs2490527642, ClinGen allele CA374219492.
Genomic context (GRCh38, chr9:98,835,330, plus strand): 5'-GCTGTTTGCTGTGAGTAAGAAATATTTTGAATATCTGGGGTCTTATGATACAGGAATGGA[A>C]GTTTGGGGAGGAGAAAACCTCGAATTTTCCTTTAGGGTAAGTATTTCAGTCTTCTCTTTG-3'
Protein context (NP_078918.3, residues 323-343): EYLGSYDTGM[Glu333Asp]VWGGENLEFS

ClinVar aggregate classification (germline): Uncertain significance (1 of 4 stars; one submission).

Submission:

Ambry Genetics
Classification: Uncertain significance. Last evaluated: 2023-10-15. Review status: criteria provided, single submitter. Criteria: Ambry Variant Classification Scheme 2023. Collection method: clinical testing. Allele origin: germline.
Comment: The p.E333D variant (also known as c.999A>C), located in coding exon 5 of the GALNT12 gene, results from an A to C substitution at nucleotide position 999. The glutamic acid at codon 333 is replaced by aspartic acid, an amino acid with highly similar properties. This amino acid position is conserved. In addition, the in silico prediction for this alteration is inconclusive. Since supporting evidence is limited at this time, the clinical significance of this alteration remains unclear.